The following is an entry in ClinVar:

ClinVar aggregate classification (germline): Uncertain significance. Review status: criteria provided, multiple submitters, no conflicts (2 of 4 stars). 2 submissions from 2 submitters: Uncertain significance (2). Last evaluated 2024-01-30.

Conditions:
Primary ciliary dyskinesia. Also called: Ciliary dyskinesia. Identifiers: Orphanet 244, MedGen C0008780, MONDO:0016575, HP:0012265.

Allele frequency attached by ClinVar (database versions not stated): TOPMed 0.00001; gnomAD 0.00002; gnomAD exomes 0.00003 and 0.00005; ExAC 0.00007.
gnomAD v4.1: 52 of 1,613,622 alleles (0.0032%); highest among the groups gnomAD compares: South Asian, 0.054%; no homozygotes.

Submissions (2):

Ambry Genetics
Classification: Uncertain significance for Primary ciliary dyskinesia. Last evaluated: 2024-01-30. Review status: criteria provided, single submitter. Criteria: Ambry Variant Classification Scheme 2023. Collection method: clinical testing. Allele origin: germline.

Labcorp Genetics (formerly Invitae), Labcorp
Classification: Uncertain significance for Primary ciliary dyskinesia. Last evaluated: 2022-02-13. Review status: criteria provided, single submitter. Criteria: Invitae Variant Classification Sherloc (09022015). Collection method: clinical testing. Allele origin: germline.
Comment: This sequence change replaces leucine, which is neutral and non-polar, with valine, which is neutral and non-polar, at codon 672 of the DNAAF1 protein (p.Leu672Val). This variant is present in population databases (rs761549054, gnomAD 0.04%). This variant has not been reported in the literature in individuals affected with DNAAF1-related conditions. Algorithms developed to predict the effect of missense changes on protein structure and function output the following: SIFT: "Tolerated"; PolyPhen-2: "Benign"; Align-GVGD: "Class C0". The valine amino acid residue is found in multiple mammalian species, which suggests that this missense change does not adversely affect protein function. In summary, the available evidence is currently insufficient to determine the role of this variant in disease. Therefore, it has been classified as a Variant of Uncertain Significance.

NM_178452.6(DNAAF1):c.2014C>G (p.Leu672Val)

Gene: DNAAF1 (dynein axonemal assembly factor 1; plus strand). Cytogenetic location: 16q24.1.
Variant type: single nucleotide variant.
Coding change: c.2014C>G on transcript NM_178452.6 (MANE Select); coding-DNA position 2014, C replaced by G.
Protein change: p.Leu672Val; replaces leucine 672 with valine.
Molecular consequence: missense variant.
Genome position (GRCh38, 1-based): chr16:84,176,248, C>G. VCF-style: chr16-84176248-C-G. GRCh37 (hg19) VCF-style: chr16-84209854-C-G.
Other names: c.2014C>G (NM_178452.4); c.1306C>G, p.Leu436Val (NM_001318756.1); short protein forms L436V, L672V.
Identifiers: ClinVar variation 1420249 (VCV001420249.4), dbSNP rs761549054, ClinGen allele CA8203082.